The following is an entry in ClinVar:

ClinVar aggregate classification (germline): Uncertain significance (1 of 4 stars; one submission).

Conditions:
MAP1B-related disorder. Also called: MAP1B-related condition.

Allele frequency attached by ClinVar (database versions not stated): gnomAD exomes below 0.00001; TOPMed below 0.00001.
gnomAD v4.1: 1 of 1,564,068 alleles (0.000064%); highest among the groups gnomAD compares: African/African-American, 0.0014%; no homozygotes.

Submission:

PreventionGenetics, part of Exact Sciences
Classification: Uncertain significance for MAP1B-related condition. Last evaluated: 2023-09-13. Review status: criteria provided, single submitter. Criteria: ACMG Guidelines, 2015. Collection method: clinical testing. Allele origin: germline.
Comment: The MAP1B c.2033A>G variant is predicted to result in the amino acid substitution p.Glu678Gly. To our knowledge, this variant has not been reported in the literature or in a large population database, indicating this variant is rare. At this time, the clinical significance of this variant is uncertain due to the absence of conclusive functional and genetic evidence.

NM_005909.5(MAP1B):c.2033A>G (p.Glu678Gly)

Gene: MAP1B (microtubule associated protein 1B; plus strand). Cytogenetic location: 5q13.2.
Variant type: single nucleotide variant.
Coding change: c.2033A>G on transcript NM_005909.5 (MANE Select); coding-DNA position 2033, A replaced by G.
Protein change: p.Glu678Gly; replaces glutamic acid 678 with glycine.
Molecular consequence: missense variant.
Genome position (GRCh38, 1-based): chr5:72,195,388, A>G. VCF-style: chr5-72195388-A-G. GRCh37 (hg19) VCF-style: chr5-71491215-A-G.
Other names: c.1655A>G, p.Glu552Gly (NM_001324255.2); short protein forms E552G, E678G.
Identifiers: ClinVar variation 2630990 (VCV002630990.1), dbSNP rs1747132947, ClinGen allele CA360003154.